The following is an entry in ClinVar:

ClinVar aggregate classification (germline): Uncertain significance (1 of 4 stars; one submission).

Submission:

Labcorp Genetics (formerly Invitae), Labcorp
Classification: Uncertain significance. Last evaluated: 2025-05-26. Review status: criteria provided, single submitter. Criteria: Invitae Variant Classification Sherloc (09022015). Collection method: clinical testing. Allele origin: germline.
Comment: This sequence change creates a premature translational stop signal (p.Pro15Cysfs*33) in the MRPL40 gene. It is expected to result in an absent or disrupted protein product. However, the current clinical and genetic evidence is not sufficient to establish whether loss-of-function variants in MRPL40 cause disease. The frequency data for this variant in the population databases is considered unreliable, as metrics indicate poor data quality at this position in the gnomAD database. This variant has not been reported in the literature in individuals affected with MRPL40-related conditions. In summary, the available evidence is currently insufficient to determine the role of this variant in disease. Therefore, it has been classified as a Variant of Uncertain Significance.

NM_003776.4(MRPL40):c.38_42dup (p.Pro15fs)

Genes: MRPL40 (mitochondrial ribosomal protein L40; plus strand), LOC130066955 (ATAC-STARR-seq lymphoblastoid silent region 13460; plus strand). Cytogenetic location: 22q11.21.
Variant type: Duplication.
Coding change: c.38_42dup on transcript NM_003776.4 (MANE Select); coding-DNA positions 38 to 42, 5 bases duplicated (TGCGC; older notation c.38_42dupTGCGC).
Protein change: p.Pro15fs; shifts the reading frame from proline 15.
Molecular consequence: frameshift variant. On other transcripts: 5 prime UTR variant (1).
Genome position (GRCh38, 1-based): chr22:19,432,592-19,432,596, TGCGC duplicated; duplicating any 5 consecutive bases within chr22:19,432,591-19,432,596 gives the same sequence; the c. name uses the placement nearest the transcript's 3' end. VCF-style (leftmost placement, unchanged base first): chr22-19432590-C-CCTGCG. GRCh37 (hg19) VCF-style: chr22-19420113-C-CCTGCG.
Other names: c.-347_-343dup (NM_001318151.2); short protein forms P15fs.
Identifiers: ClinVar variation 4709465 (VCV004709465.1).
Genomic context (GRCh38, chr22:19,432,590, plus strand): 5'-ACGCCCGGAAGCGGCGAGGGTAGCCATGACGGCCTCCGTGCTGCGAAGTATCTCGCTAGC[C>CCTGCG]CTGCGCCCGACTAGCGGGTGAGTGCGGACGCTGGCCGGATAGCGGAGTGCCCAGGGCGCG-3'